The following is an entry in ClinVar:

NM_001267550.2(TTN):c.64672+1G>A

Genes: TTN (titin; minus strand), TTN-AS1 (TTN antisense RNA 1; plus strand). Cytogenetic location: 2q31.2.
Variant type: single nucleotide variant.
Coding change: c.64672+1G>A on transcript NM_001267550.2 (MANE Select); the canonical splice donor site of the intron after coding-DNA position 64672, G replaced by A.
Molecular consequence: splice donor variant.
Genome position (GRCh38, 1-based): chr2:178,585,071, C>T on the plus strand (G>A on the coding strand, the complement: TTN is on the minus strand). VCF-style: chr2-178585071-C-T. GRCh37 (hg19) VCF-style: chr2-179449798-C-T.
Other names: c.37477+1G>A (NM_003319.4); c.38053+1G>A (NM_133437.4); c.37852+1G>A (NM_133432.3); c.56968+1G>A (NM_133378.4); c.59749+1G>A (NM_001256850.1).
Identifiers: ClinVar variation 936602 (VCV000936602.10), dbSNP rs2048635392, ClinGen allele CA349438515.

ClinVar aggregate classification (germline): Likely pathogenic (1 of 4 stars; one submission).

Conditions:
Dilated cardiomyopathy 1G (CMD1G). Identifiers: Orphanet 154, MedGen C1858763, MONDO:0011400, OMIM 604145.
Autosomal recessive limb-girdle muscular dystrophy type 2J (LGMDR10). Also called: Limb-girdle muscular dystrophy, type 2J; MUSCULAR DYSTROPHY, LIMB-GIRDLE, AUTOSOMAL RECESSIVE 10. Identifiers: Orphanet 140922, MedGen C1837342, MONDO:0012127, OMIM 608807.

Submission:

Labcorp Genetics (formerly Invitae), Labcorp
Classification: Likely pathogenic for Dilated cardiomyopathy 1G; Autosomal recessive limb-girdle muscular dystrophy type 2J. Last evaluated: 2019-05-23. Review status: criteria provided, single submitter. Criteria: Invitae Variant Classification Sherloc (09022015). Collection method: clinical testing. Allele origin: germline.
Comment: This sequence change affects a donor splice site in intron 309 of the TTN gene. It is expected to disrupt RNA splicing and likely results in an absent or disrupted protein product. While this is not anticipated to result in nonsense mediated decay, it is expected to create a truncated TTN protein. This variant is not present in population databases (ExAC no frequency). This variant has not been reported in the literature in individuals with TTN-related conditions. Algorithms developed to predict the effect of sequence changes on RNA splicing suggest that this variant may disrupt the consensus splice site, but this prediction has not been confirmed by published transcriptional studies. This variant is located in the A band of TTN (PMID: 25589632). Truncating variants in this region are significantly overrepresented in patients affected with dilated cardiomyopathy (PMID: 25589632). Truncating variants in this region have also been reported in individuals affected with autosomal recessive centronuclear myopathy (PMID: 23975875). In summary, the currently available evidence indicates that the variant is pathogenic, but additional data are needed to prove that conclusively. Therefore, this variant has been classified as Likely Pathogenic.

Literature cited by the submitters: PubMed 25589632; PubMed 23975875.